The following is an entry in ClinVar:

NM_001903.5(CTNNA1):c.1798T>A (p.Ser600Thr)

Gene: CTNNA1 (catenin alpha 1; plus strand). Cytogenetic location: 5q31.2.
Variant type: single nucleotide variant.
Coding change: c.1798T>A on transcript NM_001903.5 (MANE Select); coding-DNA position 1798, T replaced by A.
Protein change: p.Ser600Thr; replaces serine 600 with threonine.
Molecular consequence: missense variant.
Genome position (GRCh38, 1-based): chr5:138,925,306, T>A. VCF-style: chr5-138925306-T-A. GRCh37 (hg19) VCF-style: chr5-138260995-T-A.
Other names: c.1798T>A, p.Ser600Thr (NM_001290307.3, NM_001323982.2, NM_001323983.1 and 2 more transcripts); c.1489T>A, p.Ser497Thr (NM_001290309.3); c.1429T>A, p.Ser477Thr (NM_001290310.3); c.688T>A, p.Ser230Thr (NM_001290312.1, NM_001323987.1, NM_001323988.1 and 17 more transcripts); c.1705T>A, p.Ser569Thr (NM_001323986.2); c.349T>A, p.Ser117Thr (NM_001324006.1, NM_001324007.1, NM_001324008.1 and 2 more transcripts); c.595T>A, p.Ser199Thr (NM_001324011.1); c.445T>A, p.Ser149Thr (NM_001324012.1, NM_001324013.1); short protein forms S199T, S569T, S117T, S149T, S497T, S230T, S477T, S600T.
Identifiers: ClinVar variation 1041116 (VCV001041116.11), dbSNP rs191687307, ClinGen allele CA128217514.

ClinVar aggregate classification (germline): Uncertain significance. Review status: criteria provided, multiple submitters, no conflicts (2 of 4 stars). 2 submissions from 2 submitters: Uncertain significance (2). Last evaluated 2025-06-10.

Conditions:
Hereditary cancer-predisposing syndrome. Also called: Hereditary Cancer Syndrome; Tumor predisposition; Hereditary neoplastic syndrome; Neoplastic Syndromes, Hereditary. Identifiers: Orphanet 140162, MedGen C0027672, MeSH D009386, MONDO:0015356.

Allele frequency attached by ClinVar (database versions not stated): gnomAD exomes below 0.00001 and 0.00001; TOPMed below 0.00001; gnomAD 0.00001; 1000 Genomes Project 0.00020; 1000 Genomes Project 30x 0.00031.
gnomAD v4.1: 3 of 1,614,070 alleles (0.00019%); highest among the groups gnomAD compares: East Asian, 0.0067%; no homozygotes.

Submissions (2):

Labcorp Genetics (formerly Invitae), Labcorp
Classification: Uncertain significance. Last evaluated: 2025-06-10. Review status: criteria provided, single submitter. Criteria: Invitae Variant Classification Sherloc (09022015). Collection method: clinical testing. Allele origin: germline.
Comment: This sequence change replaces serine, which is neutral and polar, with threonine, which is neutral and polar, at codon 600 of the CTNNA1 protein (p.Ser600Thr). This variant is present in population databases (rs191687307, gnomAD 0.006%). This variant has not been reported in the literature in individuals affected with CTNNA1-related conditions. ClinVar contains an entry for this variant (Variation ID: 1041116). Invitae Evidence Modeling of protein sequence and biophysical properties (such as structural, functional, and spatial information, amino acid conservation, physicochemical variation, residue mobility, and thermodynamic stability) indicates that this missense variant is not expected to disrupt CTNNA1 protein function with a negative predictive value of 80%. In summary, the available evidence is currently insufficient to determine the role of this variant in disease. Therefore, it has been classified as a Variant of Uncertain Significance.

Ambry Genetics
Classification: Uncertain significance for Hereditary cancer-predisposing syndrome. Last evaluated: 2021-09-23. Review status: criteria provided, single submitter. Criteria: Ambry Variant Classification Scheme 2023. Collection method: clinical testing. Allele origin: germline.
Comment: The p.S600T variant (also known as c.1798T>A), located in coding exon 12 of the CTNNA1 gene, results from a T to A substitution at nucleotide position 1798. The serine at codon 600 is replaced by threonine, an amino acid with similar properties. This amino acid position is conserved. In addition, this alteration is predicted to be tolerated by in silico analysis. Since supporting evidence is limited at this time, the clinical significance of this alteration remains unclear.